The following is an entry in ClinVar:

ClinVar aggregate classification (germline): Uncertain significance. Review status: criteria provided, multiple submitters, no conflicts (2 of 4 stars). 4 submissions from 4 submitters: Uncertain significance (4). Last evaluated 2025-12-17.

Conditions:
Stormorken syndrome (STRMK). Also called: THROMBOCYTOPATHY, ASPLENIA, AND MIOSIS. Identifiers: Orphanet 3204, MedGen C1861451, MONDO:0008497, OMIM 185070.
Combined immunodeficiency due to STIM1 deficiency. Also called: STIM1 DEFICIENCY; IMMUNODEFICIENCY 10. Identifiers: Orphanet 169090, Orphanet 317430, MedGen C2748557, MONDO:0013008, OMIM 612783.
Myopathy with tubular aggregates (TAM). Also called: Tubular Aggregate Myopathy. Identifiers: Orphanet 2593, MedGen C0410207, MONDO:0008051.

Allele frequency attached by ClinVar (database versions not stated): gnomAD 0.00001 and 0.00002; gnomAD exomes 0.00001 and 0.00002; ExAC 0.00002; TOPMed 0.00005; ESP Exome Variant Server 0.00008.
gnomAD v4.1: 36 of 1,614,082 alleles (0.0022%); highest among the groups gnomAD compares: African/African-American, 0.004%; no homozygotes.

Submissions (4):

Labcorp Genetics (formerly Invitae), Labcorp
Classification: Uncertain significance for Myopathy with tubular aggregates; Combined immunodeficiency due to STIM1 deficiency; Stormorken syndrome. Last evaluated: 2025-12-17. Review status: criteria provided, single submitter. Criteria: Invitae Variant Classification Sherloc (09022015). Collection method: clinical testing. Allele origin: germline.
Comment: This sequence change replaces arginine, which is basic and polar, with histidine, which is basic and polar, at codon 542 of the STIM1 protein (p.Arg542His). This variant is present in population databases (rs202147687, gnomAD 0.003%). This variant has not been reported in the literature in individuals affected with STIM1-related conditions. ClinVar contains an entry for this variant (Variation ID: 582384). Invitae Evidence Modeling of protein sequence and biophysical properties (such as structural, functional, and spatial information, amino acid conservation, physicochemical variation, residue mobility, and thermodynamic stability) has been performed for this missense variant. However, the output from this modeling did not meet the statistical confidence thresholds required to predict the impact of this variant on STIM1 protein function. In summary, the available evidence is currently insufficient to determine the role of this variant in disease. Therefore, it has been classified as a Variant of Uncertain Significance.

Mayo Clinic Laboratories, Mayo Clinic
Classification: Uncertain significance. Last evaluated: 2025-07-02. Review status: criteria provided, single submitter. Criteria: ACMG Guidelines, 2015. Collection method: clinical testing. Allele origin: germline. Observed: 1 variant allele.
Comment: BP4_moderate

CeGaT Center for Human Genetics Tuebingen
Classification: Uncertain significance. Last evaluated: 2023-07-01. Review status: criteria provided, single submitter. Criteria: CeGaT Center For Human Genetics Tuebingen Variant Classification Criteria Version 2. Collection method: clinical testing. Allele origin: germline. Affected: yes. Observed: 1 variant allele.
Comment: STIM1: PM2:Supporting, BP4

GeneDx
Classification: Uncertain significance. Last evaluated: 2023-03-23. Review status: criteria provided, single submitter. Criteria: GeneDx Variant Classification Process June 2021. Collection method: clinical testing. Allele origin: germline. Affected: yes.
Comment: Not observed at significant frequency in large population cohorts (gnomAD); In silico analysis supports that this missense variant does not alter protein structure/function; Has not been previously published as pathogenic or benign to our knowledge

NM_001382567.1(STIM1):c.1718G>A (p.Arg573His)

Gene: STIM1 (stromal interaction molecule 1; plus strand). Cytogenetic location: 11p15.4.
Variant type: single nucleotide variant.
Coding change: c.1718G>A on transcript NM_001382567.1 (MANE Select); coding-DNA position 1718, G replaced by A.
Protein change: p.Arg573His; replaces arginine 573 with histidine.
Molecular consequence: missense variant. On other transcripts: 3 prime UTR variant (4), non-coding transcript variant (3).
Genome position (GRCh38, 1-based): chr11:4,091,365, G>A. VCF-style: chr11-4091365-G-A. GRCh37 (hg19) VCF-style: chr11-4112595-G-A.
Other names: p.Arg542His; c.1943G>A, p.Arg648His (NM_001277961.3); c.*39G>A (NM_001277962.2, NM_001382578.1, NM_001382579.1 and 1 more transcripts); c.1721G>A, p.Arg574His (NM_001382566.1); c.1646G>A, p.Arg549His (NM_001382568.1); c.1490G>A, p.Arg497His (NM_001382569.1); c.1397G>A, p.Arg466His (NM_001382570.1); c.1145G>A, p.Arg382His (NM_001382571.1); and 3 more; short protein forms R542H, R648H, R379H, R382H, R466H, R468H, R497H, R549H.
Identifiers: ClinVar variation 582384 (VCV000582384.32), dbSNP rs202147687, ClinGen allele CA5830597.